The following is an entry in ClinVar:

ClinVar aggregate classification (germline): Uncertain significance (1 of 4 stars; one submission).

Allele frequency attached by ClinVar (database versions not stated): gnomAD 0.00001; gnomAD exomes 0.00001 and 0.00002.

Submission:

Labcorp Genetics (formerly Invitae), Labcorp
Classification: Uncertain significance. Last evaluated: 2022-05-20. Review status: criteria provided, single submitter. Criteria: Invitae Variant Classification Sherloc (09022015). Collection method: clinical testing. Allele origin: germline.
Comment: This sequence change replaces arginine, which is basic and polar, with tryptophan, which is neutral and slightly polar, at codon 47 of the NDUFB9 protein (p.Arg47Trp). This variant is present in population databases (no rsID available, gnomAD 0.003%). This variant has not been reported in the literature in individuals affected with NDUFB9-related conditions. Algorithms developed to predict the effect of missense changes on protein structure and function (SIFT, PolyPhen-2, Align-GVGD) all suggest that this variant is likely to be disruptive. In summary, the available evidence is currently insufficient to determine the role of this variant in disease. Therefore, it has been classified as a Variant of Uncertain Significance.

NM_005005.3(NDUFB9):c.139C>T (p.Arg47Trp)

Gene: NDUFB9 (NADH:ubiquinone oxidoreductase subunit B9; plus strand). Cytogenetic location: 8q24.13.
Variant type: single nucleotide variant.
Coding change: c.139C>T on transcript NM_005005.3 (MANE Select); coding-DNA position 139, C replaced by T.
Protein change: p.Arg47Trp; replaces arginine 47 with tryptophan.
Molecular consequence: missense variant. On other transcripts: 5 prime UTR variant (1).
Genome position (GRCh38, 1-based): chr8:124,543,124, C>T. VCF-style: chr8-124543124-C-T. GRCh37 (hg19) VCF-style: chr8-125555365-C-T.
Other names: c.-30C>T (NM_001278645.2); c.10C>T, p.Arg4Trp (NM_001278646.2); c.106C>T, p.Arg36Trp (NM_001311168.2); short protein forms R36W, R4W, R47W.
Identifiers: ClinVar variation 1410353 (VCV001410353.5), dbSNP rs1212484074, ClinGen allele CA372172285.
Genomic context (GRCh38, chr8:124,543,124, plus strand): 5'-CTTCAAAATCATTTTGGTTTAAGAGACAAATACCGATACTTTGCTTGTTTGATGAGAGCC[C>T]GGTTTGAAGAACATAAGAATGAAAAGGATATGGCGAAGGCCACCCAGCTGCTGAAGGAGG-3'
Protein context (NP_004996.1, residues 37-57): YRYFACLMRA[Arg47Trp]FEEHKNEKDM